The following is an entry in ClinVar:

ClinVar aggregate classification (germline): Uncertain significance (1 of 4 stars; one submission).

Conditions:
Epiphyseal dysplasia, multiple, 6. Also called: COL9A1-Related Multiple Epiphyseal Dysplasia. Identifiers: MedGen C2675767, MONDO:0013591, OMIM 614135.

Submission:

MVZ Medizinische Genetik Mainz
Classification: Uncertain significance for Epiphyseal dysplasia, multiple, 6. Last evaluated: 2024-03-06. Review status: criteria provided, single submitter. Criteria: UK Practice Guidelines For Variant Classification V4 01 2020. Collection method: clinical testing. Allele origin: germline. Inheritance: Autosomal dominant inheritance. Observed: 1 variant allele.
Comment: ACMG Criteria: PVS1_STR,PM2_SUP

NM_001851.6(COL9A1):c.976-1G>A

Gene: COL9A1 (collagen type IX alpha 1 chain; minus strand). Cytogenetic location: 6q13.
Variant type: single nucleotide variant.
Coding change: c.976-1G>A on transcript NM_001851.6 (MANE Select); the canonical splice acceptor site of the intron before coding-DNA position 976, G replaced by A.
Molecular consequence: splice acceptor variant.
Genome position (GRCh38, 1-based): chr6:70,274,773, C>T on the plus strand (G>A on the coding strand, the complement: COL9A1 is on the minus strand). VCF-style: chr6-70274773-C-T. GRCh37 (hg19) VCF-style: chr6-70984476-C-T.
Other names: c.247-1G>A (NM_001377290.1, NM_078485.4, NM_001377289.1).
Identifiers: ClinVar variation 3236347 (VCV003236347.1), dbSNP rs2483426023, ClinGen allele CA364664528.